The following is an entry in ClinVar:

ClinVar aggregate classification (germline): Uncertain significance (1 of 4 stars; one submission).

Conditions:
Inborn genetic diseases. Identifiers: MedGen C0950123, MeSH D030342.

Submission:

Ambry Genetics
Classification: Uncertain significance for Inborn genetic diseases. Last evaluated: 2026-07-04. Review status: criteria provided, single submitter. Criteria: Ambry Variant Classification Scheme 2023. Collection method: clinical testing. Allele origin: germline.
Comment: The p.D375N variant (also known as c.1123G>A), located in coding exon 10 of the ANKRD26 gene, results from a G to A substitution at nucleotide position 1123. The aspartic acid at codon 375 is replaced by asparagine, an amino acid with highly similar properties. This amino acid position is conserved. In addition, this alteration is predicted to be tolerated by in silico analysis. Based on the available evidence, the clinical significance of this variant remains unclear.

NM_014915.3(ANKRD26):c.1123G>A (p.Asp375Asn)

Gene: ANKRD26 (ankyrin repeat domain 26; minus strand). Cytogenetic location: 10p12.1.
Variant type: single nucleotide variant.
Coding change: c.1123G>A on transcript NM_014915.3 (MANE Select); coding-DNA position 1123, G replaced by A.
Protein change: p.Asp375Asn; replaces aspartic acid 375 with asparagine.
Molecular consequence: missense variant.
Genome position (GRCh38, 1-based): chr10:27,067,241, C>T on the plus strand (G>A on the coding strand, the complement: ANKRD26 is on the minus strand). VCF-style: chr10-27067241-C-T. GRCh37 (hg19) VCF-style: chr10-27356170-C-T.
Other names: c.1123G>A, p.Asp375Asn (NM_001256053.2); short protein forms D375N.
Identifiers: ClinVar variation 5022943 (VCV005022943.1).
Genomic context (GRCh38, chr10:27,067,241, plus strand): 5'-CATCAACATAAGTCAAATTGTCATTATTTGTTTGCTCTAGTGGAGCACTTTCAATAATAT[C>T]AATACCATTTTCTTTTTTTGCAATGCCTGGCTTTGTTGGTTCTTCCTATTAAAAACAAAA-3'
Protein context (NP_055730.2, residues 365-385): PGIAKKENGI[Asp375Asn]IIESAPLEQT